The following is an entry in ClinVar:

NM_199420.4(POLQ):c.1386T>C (p.Pro462=)

Gene: POLQ (DNA polymerase theta; minus strand). Cytogenetic location: 3q13.33.
Variant type: single nucleotide variant.
Coding change: c.1386T>C on transcript NM_199420.4 (MANE Select); coding-DNA position 1386, T replaced by C.
Protein change: p.Pro462=; no amino-acid change (proline 462 retained).
Molecular consequence: synonymous variant.
Genome position (GRCh38, 1-based): chr3:121,519,953, A>G on the plus strand (T>C on the coding strand, the complement: POLQ is on the minus strand). VCF-style: chr3-121519953-A-G. GRCh37 (hg19) VCF-style: chr3-121238800-A-G.
Identifiers: ClinVar variation 1771419 (VCV001771419.4), dbSNP rs566091238, ClinGen allele CA2563552.
Genomic context (GRCh38, chr3:121,519,953, plus strand): 5'-GCCAGCACGGCCAACCATCTGCTTATAAGTAAGAATATCTAGAGGTCGACCACCAAAAAT[A>G]GGGGTTCGAATAATCACACGACGTGCAGGTAAATTCACCCCAGAAGAAAGAGTAGAAGTT-3'
Protein context (NP_955452.3, residues 452-472): LPARRVIIRT[Pro462=]IFGGRPLDIL

ClinVar aggregate classification (germline): Likely benign. Review status: criteria provided, single submitter (1 of 4 stars). 2 submissions from 2 submitters: Likely benign (1). 1 of the submissions does not count toward it. Last evaluated 2022-02-12.

Conditions:
POLQ-related disorder. Also called: POLQ-related condition.

Allele frequency attached by ClinVar (database versions not stated): TOPMed 0.00009; gnomAD 0.00038; gnomAD exomes 0.00070; ExAC 0.00167; 1000 Genomes Project 30x 0.00219; 1000 Genomes Project 0.00260.
gnomAD v4.1: 1,084 of 1,612,208 alleles (0.067%); highest among the groups gnomAD compares: South Asian, 1.1%; 17 homozygotes.

Submissions (2):

Ambry Genetics
Classification: Likely benign. Last evaluated: 2022-02-12. Review status: criteria provided, single submitter. Criteria: Ambry Variant Classification Scheme 2023. Collection method: clinical testing. Allele origin: germline.

PreventionGenetics, part of Exact Sciences
Classification: Benign for POLQ-related condition. Last evaluated: 2019-07-01. Review status: no assertion criteria provided. Collection method: clinical testing. Allele origin: germline. Not counted in ClinVar's aggregate classification.
Comment: This variant is classified as benign based on ACMG/AMP sequence variant interpretation guidelines (Richards et al. 2015 PMID: 25741868, with internal and published modifications).